The following is an entry in ClinVar:

NM_018979.4(WNK1):c.6001C>G (p.Leu2001Val)

Gene: WNK1 (WNK lysine deficient protein kinase 1; plus strand). Cytogenetic location: 12p13.33.
Variant type: single nucleotide variant.
Coding change: c.6001C>G on transcript NM_018979.4 (MANE Select); coding-DNA position 6001, C replaced by G.
Protein change: p.Leu2001Val; replaces leucine 2001 with valine.
Molecular consequence: missense variant.
Genome position (GRCh38, 1-based): chr12:896,488, C>G. VCF-style: chr12-896488-C-G. GRCh37 (hg19) VCF-style: chr12-1005654-C-G.
Other names: c.6781C>G, p.Leu2261Val (NM_001184985.2); c.5257C>G, p.Leu1753Val (NM_014823.3); c.6757C>G, p.Leu2253Val (NM_213655.5); short protein forms L1753V, L2001V, L2253V, L2261V.
Identifiers: ClinVar variation 3747865 (VCV003747865.2).

ClinVar aggregate classification (germline): Uncertain significance (1 of 4 stars; one submission).

Conditions:
Neuropathy, hereditary sensory and autonomic, type 2A (HSAN2A). Also called: ACROOSTEOLYSIS, GIACCAI TYPE; ACROOSTEOLYSIS, NEUROGENIC; MORVAN DISEASE; NEUROPATHY, CONGENITAL SENSORY; NEUROPATHY, HEREDITARY SENSORY RADICULAR, AUTOSOMAL RECESSIVE; NEUROPATHY, HEREDITARY SENSORY, TYPE IIA. Identifiers: Orphanet 970, MedGen C2752089, MONDO:0024309, OMIM 201300.
Pseudohypoaldosteronism type 2C (PHA2C). Also called: Pseudohypoaldosteronism Type IIC. Identifiers: Orphanet 757, Orphanet 88940, MedGen C1840391, MONDO:0013778, OMIM 614492.

Submission:

Labcorp Genetics (formerly Invitae), Labcorp
Classification: Uncertain significance for Neuropathy, hereditary sensory and autonomic, type 2A; Pseudohypoaldosteronism type 2C. Last evaluated: 2025-01-13. Review status: criteria provided, single submitter. Criteria: Invitae Variant Classification Sherloc (09022015). Collection method: clinical testing. Allele origin: germline.
Comment: This sequence change replaces leucine, which is neutral and non-polar, with valine, which is neutral and non-polar, at codon 2253 of the WNK1 protein (p.Leu2253Val). This variant is not present in population databases (gnomAD no frequency). This variant has not been reported in the literature in individuals affected with WNK1-related conditions. Invitae Evidence Modeling of protein sequence and biophysical properties (such as structural, functional, and spatial information, amino acid conservation, physicochemical variation, residue mobility, and thermodynamic stability) indicates that this missense variant is not expected to disrupt WNK1 protein function with a negative predictive value of 95%. In summary, the available evidence is currently insufficient to determine the role of this variant in disease. Therefore, it has been classified as a Variant of Uncertain Significance.